The following is an entry in ClinVar:

NM_000059.4(BRCA2):c.425+457C>T

Gene: BRCA2 (BRCA2 DNA repair associated; plus strand). Cytogenetic location: 13q13.1.
Variant type: single nucleotide variant.
Coding change: c.425+457C>T on transcript NM_000059.4 (MANE Select); 457 bases into the intron after coding-DNA position 425, C replaced by T.
Molecular consequence: intron variant.
Genome position (GRCh38, 1-based): chr13:32,325,641, C>T. VCF-style: chr13-32325641-C-T. GRCh37 (hg19) VCF-style: chr13-32899778-C-T.
Identifiers: ClinVar variation 264874 (VCV000264874.1), dbSNP rs11571614, ClinGen allele CA10588077.

ClinVar aggregate classification (germline): Benign (3 of 4 stars; one submission).

Conditions:
Breast-ovarian cancer, familial, susceptibility to, 2 (BROVCA2). Also called: BRCA2 Hereditary Breast and Ovarian Cancer. Identifiers: Orphanet 145, MedGen C2675520, MONDO:0012933, OMIM 612555. Disease mechanism: loss of function.

Allele frequency attached by ClinVar (database versions not stated): gnomAD 0.00904 and 0.00962; TOPMed 0.01661; 1000 Genomes Project 0.01877; 1000 Genomes Project 30x 0.02092.
gnomAD v4.1: 1,457 of 151,202 alleles (0.96%); highest among the groups gnomAD compares: Admixed American, 7.6%; 63 homozygotes.

Submission:

Evidence-based Network for the Interpretation of Germline Mutant Alleles (ENIGMA)
Classification: Benign for Breast-ovarian cancer, familial, susceptibility to, 2. Last evaluated: 2016-09-28. Review status: reviewed by expert panel. Criteria: ENIGMA BRCA1/2 Classification Criteria (2015). Collection method: curation. Allele origin: germline.
Comment: Class 1 not pathogenic based on frequency >1% in an outbred sampleset. Frequency 0.1009 (Admixed American/Latino), 0.0198 (East Asian), derived from 1000 genomes (2013-05-02).